The following is an entry in ClinVar:

ClinVar aggregate classification (germline): Uncertain significance. Review status: criteria provided, multiple submitters, no conflicts (2 of 4 stars). 2 submissions from 2 submitters: Uncertain significance (2). Last evaluated 2023-11-21.

Conditions:
Inborn genetic diseases. Identifiers: MedGen C0950123, MeSH D030342.

Allele frequency attached by ClinVar (database versions not stated): gnomAD exomes below 0.00001.
gnomAD v4.1: 1 of 1,613,880 alleles (0.000062%); highest among the groups gnomAD compares: Non-Finnish European, 0.000085%; no homozygotes.

Submissions (2):

Ambry Genetics
Classification: Uncertain significance for Inborn genetic diseases. Last evaluated: 2023-11-21. Review status: criteria provided, single submitter. Criteria: Ambry Variant Classification Scheme 2023. Collection method: clinical testing. Allele origin: germline.

Labcorp Genetics (formerly Invitae), Labcorp
Classification: Uncertain significance. Last evaluated: 2022-06-13. Review status: criteria provided, single submitter. Criteria: Invitae Variant Classification Sherloc (09022015). Collection method: clinical testing. Allele origin: germline.
Comment: In summary, the available evidence is currently insufficient to determine the role of this variant in disease. Therefore, it has been classified as a Variant of Uncertain Significance. Algorithms developed to predict the effect of sequence changes on RNA splicing suggest that this variant may create or strengthen a splice site. Algorithms developed to predict the effect of missense changes on protein structure and function (SIFT, PolyPhen-2, Align-GVGD) all suggest that this variant is likely to be tolerated. This variant has not been reported in the literature in individuals affected with DNM1L-related conditions. This variant is not present in population databases (gnomAD no frequency). This sequence change replaces isoleucine, which is neutral and non-polar, with valine, which is neutral and non-polar, at codon 242 of the DNM1L protein (p.Ile242Val).

NM_012062.5(DNM1L):c.724A>G (p.Ile242Val)

Gene: DNM1L (dynamin 1 like; plus strand). Cytogenetic location: 12p11.21.
Variant type: single nucleotide variant.
Coding change: c.724A>G on transcript NM_012062.5 (MANE Select); coding-DNA position 724, A replaced by G.
Protein change: p.Ile242Val; replaces isoleucine 242 with valine.
Molecular consequence: missense variant. On other transcripts: intron variant (1).
Genome position (GRCh38, 1-based): chr12:32,718,747, A>G. VCF-style: chr12-32718747-A-G. GRCh37 (hg19) VCF-style: chr12-32871681-A-G.
Other names: c.724A>G, p.Ile242Val (NM_001278463.2, NM_005690.5, NM_012063.4); c.763A>G, p.Ile255Val (NM_001278464.2, NM_001278465.2, NM_001330380.2); c.132-1917A>G (NM_001278466.2); c.724A>G (NM_012062.3); short protein forms I242V, I255V.
Identifiers: ClinVar variation 1367520 (VCV001367520.7), dbSNP rs2137425119, ClinGen allele CA384369048.